The following is an entry in ClinVar:

NM_002474.3(MYH11):c.2165A>G (p.Gln722Arg)

Gene: MYH11 (myosin heavy chain 11; minus strand). Cytogenetic location: 16p13.11.
Variant type: single nucleotide variant.
Coding change: c.2165A>G on transcript NM_002474.3 (MANE Select); coding-DNA position 2165, A replaced by G.
Protein change: p.Gln722Arg; replaces glutamine 722 with arginine.
Molecular consequence: missense variant.
Genome position (GRCh38, 1-based): chr16:15,748,062, T>C on the plus strand (A>G on the coding strand, the complement: MYH11 is on the minus strand). VCF-style: chr16-15748062-T-C. GRCh37 (hg19) VCF-style: chr16-15841919-T-C.
Other names: c.2186A>G, p.Gln729Arg (NM_001040113.2, NM_001040114.2); c.2165A>G, p.Gln722Arg (NM_022844.3); short protein forms Q722R, Q729R.
Identifiers: ClinVar variation 4825852 (VCV004825852.1).

ClinVar aggregate classification (germline): Uncertain significance (1 of 4 stars; one submission).

Conditions:
Familial thoracic aortic aneurysm and aortic dissection (TAAD). Also called: Thoracic aortic aneurysms and dissections. Identifiers: Orphanet 91387, MedGen C4707243, MONDO:0019625.

Submission:

Ambry Genetics
Classification: Uncertain significance for Familial thoracic aortic aneurysm and aortic dissection. Last evaluated: 2026-02-22. Review status: criteria provided, single submitter. Criteria: Ambry Variant Classification Scheme 2023. Collection method: clinical testing. Allele origin: germline.
Comment: The p.Q722R variant (also known as c.2165A>G), located in coding exon 16 of the MYH11 gene, results from an A to G substitution at nucleotide position 2165. The glutamine at codon 722 is replaced by arginine, an amino acid with highly similar properties. This amino acid position is conserved. In addition, the in silico prediction for this alteration is inconclusive. Based on the available evidence, the clinical significance of this variant remains unclear.